The following is an entry in ClinVar:

ClinVar aggregate classification (germline): Uncertain significance (1 of 4 stars; one submission).

Conditions:
GREB1L-related disorder. Also called: GREB1L-related condition.

gnomAD v4.1: 8 of 1,551,532 alleles (0.00052%); highest among the groups gnomAD compares: Admixed American, 0.012%; no homozygotes.

Submission:

PreventionGenetics, part of Exact Sciences
Classification: Uncertain significance for GREB1L-related condition. Last evaluated: 2025-05-01. Review status: criteria provided, single submitter. Criteria: ACMG Guidelines, 2015. Collection method: clinical testing. Allele origin: germline.
Comment: The GREB1L c.1946C>A variant is predicted to result in the amino acid substitution p.Pro649His. To our knowledge, this variant has not been reported in the literature. This variant is reported in 0.023% of alleles in individuals of Latino descent in gnomAD. Although we suspect that this variant may be benign, at this time, the clinical significance of this variant is uncertain due to the absence of conclusive functional and genetic evidence.

NM_001142966.3(GREB1L):c.1946C>A (p.Pro649His)

Gene: GREB1L (GREB1 like retinoic acid receptor coactivator; plus strand). Cytogenetic location: 18q11.1.
Variant type: single nucleotide variant.
Coding change: c.1946C>A on transcript NM_001142966.3 (MANE Select); coding-DNA position 1946, C replaced by A.
Protein change: p.Pro649His; replaces proline 649 with histidine.
Molecular consequence: missense variant.
Genome position (GRCh38, 1-based): chr18:21,452,179, C>A. VCF-style: chr18-21452179-C-A. GRCh37 (hg19) VCF-style: chr18-19032140-C-A.
Other names: c.2075C>A, p.Pro692His (NM_001410867.1); c.1619C>A, p.Pro540His (NM_001410868.1); short protein forms P692H, P540H, P649H.
Identifiers: ClinVar variation 4981862 (VCV004981862.1).
Genomic context (GRCh38, chr18:21,452,179, plus strand): 5'-AAAGAAGAGGAGACAGTGTGGTTACCCCTTTCGATGGAGACCTTAATGAATGTGTGTCAC[C>A]CCAGGAGGCTGCTGCTATGATTCCCACACAAAACCTGGGTAATGTCATCTCAGACCAAGA-3'
Protein context (NP_001136438.1, residues 639-659): FDGDLNECVS[Pro649His]QEAAAMIPTQ